The following is an entry in ClinVar:

ClinVar aggregate classification (germline): Uncertain significance. Review status: criteria provided, multiple submitters, no conflicts (2 of 4 stars). 2 submissions from 2 submitters: Uncertain significance (2). Last evaluated 2024-07-05.

Conditions:
Congenital contractural arachnodactyly (CCA). Also called: BEALS SYNDROME; Arthrogryposis, distal, type 9; Beals-Hecht syndrome. Identifiers: Orphanet 115, MedGen C0220668, MONDO:0007363, OMIM 121050.

Submissions (2):

Labcorp Genetics (formerly Invitae), Labcorp
Classification: Uncertain significance for Congenital contractural arachnodactyly. Last evaluated: 2024-07-05. Review status: criteria provided, single submitter. Criteria: Invitae Variant Classification Sherloc (09022015). Collection method: clinical testing. Allele origin: germline.
Comment: This sequence change falls in intron 47 of the FBN2 gene. It does not directly change the encoded amino acid sequence of the FBN2 protein. It affects a nucleotide within the consensus splice site. This variant is not present in population databases (gnomAD no frequency). This variant has not been reported in the literature in individuals affected with FBN2-related conditions. Variants that disrupt the consensus splice site are a relatively common cause of aberrant splicing (PMID: 17576681, 9536098). Algorithms developed to predict the effect of sequence changes on RNA splicing suggest that this variant may disrupt the consensus splice site. In summary, the available evidence is currently insufficient to determine the role of this variant in disease. Therefore, it has been classified as a Variant of Uncertain Significance.

Blueprint Genetics
Classification: Uncertain significance. Last evaluated: 2022-08-01. Review status: criteria provided, single submitter. Criteria: ACMG Guidelines, 2015. Collection method: clinical testing. Allele origin: germline.

Literature cited by the submitters: PubMed 17576681 (cited by Labcorp Genetics (formerly Invitae), Labcorp); PubMed 9536098 (cited by Labcorp Genetics (formerly Invitae), Labcorp).

NM_001999.4(FBN2):c.6046+5G>C

Gene: FBN2 (fibrillin 2; minus strand). Cytogenetic location: 5q23.3.
Variant type: single nucleotide variant.
Coding change: c.6046+5G>C on transcript NM_001999.4 (MANE Select); 5 bases into the intron after coding-DNA position 6046, G replaced by C.
Molecular consequence: intron variant.
Genome position (GRCh38, 1-based): chr5:128,301,377, C>G on the plus strand (G>C on the coding strand, the complement: FBN2 is on the minus strand). VCF-style: chr5-128301377-C-G. GRCh37 (hg19) VCF-style: chr5-127637069-C-G.
Identifiers: ClinVar variation 3672008 (VCV003672008.3).